The following is an entry in ClinVar:

ClinVar aggregate classification (germline): Uncertain significance (1 of 4 stars; one submission).

Conditions:
Hypertrophic cardiomyopathy. Also called: HYPERTROPHIC MYOCARDIOPATHY. Identifiers: Orphanet 217569, MedGen C0007194, MeSH D002312, MONDO:0005045, HP:0001639.

Submission:

Labcorp Genetics (formerly Invitae), Labcorp
Classification: Uncertain significance for Hypertrophic cardiomyopathy. Last evaluated: 2024-01-22. Review status: criteria provided, single submitter. Criteria: Invitae Variant Classification Sherloc (09022015). Collection method: clinical testing. Allele origin: germline.
Comment: This variant, c.485_514del, results in the deletion of 10 amino acid(s) of the TNNI3 protein (p.Arg162_Ala171del), but otherwise preserves the integrity of the reading frame. This variant is not present in population databases (gnomAD no frequency). This variant has been observed in individual(s) with clinical features of TNNI3-related conditions (Invitae). ClinVar contains an entry for this variant (Variation ID: 454407). Experimental studies and prediction algorithms are not available or were not evaluated, and the functional significance of this variant is currently unknown. This variant disrupts the p.Arg170, p.Arg162 amino acid residue in TNNI3. Other variant(s) that disrupt this residue have been determined to be pathogenic (PMID: 15607392, 20031618, 22876777, 26440512). This suggests that this residue is clinically significant, and that variants that disrupt this residue are likely to be disease-causing. In summary, the available evidence is currently insufficient to determine the role of this variant in disease. Therefore, it has been classified as a Variant of Uncertain Significance.

Literature cited by the submitters: PubMed 15607392; PubMed 20031618; PubMed 22876777; PubMed 26440512.

NM_000363.5(TNNI3):c.485_514del (p.Arg162_Ala171del)

Gene: TNNI3 (troponin I3, cardiac type; minus strand). Cytogenetic location: 19q13.42.
Variant type: Deletion.
Coding change: c.485_514del on transcript NM_000363.5 (MANE Select); coding-DNA positions 485 to 514, 30 bases deleted (GGGCTAAGGAGTCCCTGGACCTGCGGGCCC).
Protein change: p.Arg162_Ala171del.
Molecular consequence: inframe deletion.
Genome position (GRCh38, 1-based): chr19:55,154,065-55,154,094, GGGCCCGCAGGTCCAGGGACTCCTTAGCCC deleted on the plus strand (GGGCTAAGGAGTCCCTGGACCTGCGGGCCC on the coding strand, the reverse complement: TNNI3 is on the minus strand); deleting any 30 consecutive bases within chr19:55,154,065-55,154,100 gives the same sequence; the c. name uses the placement nearest the transcript's 3' end. VCF-style (leftmost placement, unchanged base first): chr19-55154064-TGGGCCCGCAGGTCCAGGGACTCCTTAGCCC-T. GRCh37 (hg19) VCF-style: chr19-55665432-TGGGCCCGCAGGTCCAGGGACTCCTTAGCCC-T.
Other names: c.485_514del (LRG_432t1).
Identifiers: ClinVar variation 454407 (VCV000454407.8), dbSNP rs1555863489, ClinGen allele CA658658863.